The following is an entry in ClinVar:

ClinVar aggregate classification (germline): Pathogenic (1 of 4 stars; one submission).

Conditions:
Hereditary breast ovarian cancer syndrome. Also called: Hereditary breast and ovarian cancer syndrome; Hereditary breast and ovarian cancer; Hereditary breast and ovarian cancer syndrome (HBOC); Hereditary breast and/or ovarian cancer syndrome; Breast and ovarian cancer; BRCA1- and BRCA2-Associated Hereditary Breast and Ovarian Cancer. Identifiers: Orphanet 145, MedGen C0677776, MeSH D061325, MONDO:0003582. Disease mechanism: loss of function.

Submission:

Labcorp Genetics (formerly Invitae), Labcorp
Classification: Pathogenic for Hereditary breast ovarian cancer syndrome. Last evaluated: 2022-03-15. Review status: criteria provided, single submitter. Criteria: Invitae Variant Classification Sherloc (09022015). Collection method: clinical testing. Allele origin: germline.
Comment: This variant has not been reported in the literature in individuals affected with BRCA2-related conditions. This sequence change creates a premature translational stop signal (p.Cys711Trpfs*8) in the BRCA2 gene. It is expected to result in an absent or disrupted protein product. Loss-of-function variants in BRCA2 are known to be pathogenic (PMID: 20104584). This variant is not present in population databases (gnomAD no frequency). For these reasons, this variant has been classified as Pathogenic.

Literature cited by the submitters: PubMed 20104584.

NM_000059.4(BRCA2):c.2132dup (p.Cys711fs)

Gene: BRCA2 (BRCA2 DNA repair associated; plus strand). Cytogenetic location: 13q13.1.
Variant type: Duplication.
Coding change: c.2132dup on transcript NM_000059.4 (MANE Select); coding-DNA position 2132, one base duplicated (G; older notation c.2132dupG).
Protein change: p.Cys711fs; shifts the reading frame from cysteine 711.
Molecular consequence: frameshift variant.
Genome position (GRCh38, 1-based): chr13:32,336,487, G duplicated. VCF-style (leftmost placement, unchanged base first): chr13-32336486-T-TG. GRCh37 (hg19) VCF-style: chr13-32910623-T-TG.
Other names: c.2132dup, p.Cys711Trpfs (NM_001406719.1, NM_001406720.1); short protein forms C711fs.
Identifiers: ClinVar variation 2112798 (VCV002112798.4), dbSNP rs2548523246, ClinGen allele CA2580087204.